The following is an entry in ClinVar:

ClinVar aggregate classification (germline): Conflicting classifications of pathogenicity. Review status: criteria provided, conflicting classifications (1 of 4 stars). 11 submissions from 9 submitters: Uncertain significance (6); Likely benign (4). 1 of the submissions does not count toward it. Last evaluated 2026-07-01.

Conditions:
CDH23-related disorder. Also called: CDH23-related disorders; CDH23-related condition.
Usher syndrome type 1 (USH1). Also called: RETINITIS PIGMENTOSA AND CONGENITAL DEAFNESS. Identifiers: Orphanet 231169, Orphanet 886, MedGen C1568247, MONDO:0010168, OMIM 276900.
Autosomal recessive nonsyndromic hearing loss 12. Also called: DEAFNESS, AUTOSOMAL RECESSIVE 12. Identifiers: Orphanet 90636, MedGen C1832394, MONDO:0011067, OMIM 601386.
Usher syndrome type 1D (USH1D). Also called: USHER SYNDROME, TYPE ID. Identifiers: Orphanet 231169, Orphanet 886, MedGen C1832845, MONDO:0010984, OMIM 601067.

Allele frequency attached by ClinVar (database versions not stated): TOPMed 0.00005; gnomAD 0.00022 and 0.00002; gnomAD exomes 0.00025 and 0.00045; ExAC 0.00048; 1000 Genomes Project 30x 0.00062; 1000 Genomes Project 0.00080.

Submissions (11):

PreventionGenetics, part of Exact Sciences
Classification: Likely benign for CDH23-related condition. Last evaluated: 2026-07-01. Review status: criteria provided, single submitter. Criteria: ACMG Guidelines, 2015. Collection method: clinical testing. Allele origin: germline.
Comment: This variant is classified as likely benign based on ACMG/AMP sequence variant interpretation guidelines (Richards et al. 2015 PMID: 25741868, with internal and published modifications).

Labcorp Genetics (formerly Invitae), Labcorp
Classification: Likely benign. Last evaluated: 2026-01-26. Review status: criteria provided, single submitter. Criteria: Invitae Variant Classification Sherloc (09022015). Collection method: clinical testing. Allele origin: germline.

Blueprint Genetics
Classification: Likely benign. Last evaluated: 2024-10-15. Review status: criteria provided, single submitter. Criteria: ACMG Guidelines, 2015. Collection method: clinical testing. Allele origin: germline.

GeneDx
Classification: Uncertain significance. Last evaluated: 2021-08-20. Review status: criteria provided, single submitter. Criteria: GeneDx Variant Classification Process June 2021. Collection method: clinical testing. Allele origin: germline. Affected: yes.
Comment: Identified in a patient who harbored a causative deletion in the NDP gene and classified as an incidental finding in published literature (Sudha et al., 2017); In silico analysis supports that this missense variant does not alter protein structure/function; This variant is associated with the following publications: (PMID: 28602015)

Genome-Nilou Lab
Classification: Uncertain significance for Autosomal recessive nonsyndromic hearing loss 12. Last evaluated: 2021-07-14. Review status: criteria provided, single submitter. Criteria: ACMG Guidelines, 2015. Collection method: clinical testing. Allele origin: germline. Affected: no.

Genome-Nilou Lab
Classification: Uncertain significance for Usher syndrome type 1D. Last evaluated: 2021-07-14. Review status: criteria provided, single submitter. Criteria: ACMG Guidelines, 2015. Collection method: clinical testing. Allele origin: germline. Affected: no.

Revvity Omics, Revvity
Classification: Uncertain significance. Last evaluated: 2019-11-04. Review status: criteria provided, single submitter. Criteria: ACMG Guidelines, 2015. Collection method: clinical testing. Allele origin: germline.

Illumina Laboratory Services, Illumina
Classification: Uncertain significance for Autosomal recessive nonsyndromic hearing loss 12. Last evaluated: 2018-01-13. Review status: criteria provided, single submitter. Criteria: ICSL Variant Classification Criteria 13 December 2019. Collection method: clinical testing. Allele origin: germline.

Illumina Laboratory Services, Illumina
Classification: Uncertain significance for Usher syndrome type 1D. Last evaluated: 2018-01-13. Review status: criteria provided, single submitter. Criteria: ICSL Variant Classification Criteria 13 December 2019. Collection method: clinical testing. Allele origin: germline.

Laboratory for Molecular Medicine, Mass General Brigham Personalized Medicine
Classification: Likely benign. Last evaluated: 2012-09-22. Review status: criteria provided, single submitter. Criteria: LMM Criteria. Collection method: clinical testing. Allele origin: germline. Observed: 1 variant allele.
Comment: Met1689Thr in exon 39 of CDH23: This variant is not expected to have clinical si gnificance due to a lack of conservation across species, including mammals. Of note, more than 20 different mammals have a threonine (Thr) at this position des pite high nearby amino acid conservation. In addition, computational analyses ( biochemical amino acid properties, conservation, AlignGVGD, PolyPhen2, and SIFT) suggest that the Met1689Thr variant may not impact the protein.

Natera, Inc.
Classification: Likely benign for Usher syndrome type 1. Last evaluated: 2020-09-16. Review status: no assertion criteria provided. Collection method: clinical testing. Allele origin: germline. Not counted in ClinVar's aggregate classification.

NM_022124.6(CDH23):c.5066T>C (p.Met1689Thr)

Gene: CDH23 (cadherin related 23; plus strand). Cytogenetic location: 10q22.1.
Variant type: single nucleotide variant.
Coding change: c.5066T>C on transcript NM_022124.6 (MANE Select); coding-DNA position 5066, T replaced by C.
Protein change: p.Met1689Thr; replaces methionine 1689 with threonine.
Molecular consequence: missense variant.
Genome position (GRCh38, 1-based): chr10:71,777,900, T>C. VCF-style: chr10-71777900-T-C. GRCh37 (hg19) VCF-style: chr10-73537657-T-C.
Other names: short protein forms M1689T.
Identifiers: ClinVar variation 45964 (VCV000045964.28), dbSNP rs397517334, ClinGen allele CA137460.